The following is an entry in ClinVar:

ClinVar aggregate classification (germline): Conflicting classifications of pathogenicity. Review status: criteria provided, conflicting classifications (1 of 4 stars). 6 submissions from 6 submitters: Uncertain significance (5); Likely benign (1). Last evaluated 2026-04-09.

Conditions:
Autosomal recessive nonsyndromic hearing loss 3. Also called: NEUROSENSORY NONSYNDROMIC RECESSIVE DEAFNESS 3. Identifiers: Orphanet 90636, MedGen C1838263, MONDO:0010860, OMIM 600316.
Inborn genetic diseases. Identifiers: MedGen C0950123, MeSH D030342.
MYO15A-related disorder. Also called: MYO15A-related condition.

Allele frequency attached by ClinVar (database versions not stated): gnomAD exomes 0.00007 and 0.00013; gnomAD 0.00009 and 0.00010; TOPMed 0.00009; ExAC 0.00015.
gnomAD v4.1: 116 of 1,613,808 alleles (0.0072%); highest among the groups gnomAD compares: East Asian, 0.027%; no homozygotes.

Submissions (6):

PreventionGenetics, part of Exact Sciences
Classification: Uncertain significance for MYO15A-related condition. Last evaluated: 2026-04-09. Review status: criteria provided, single submitter. Criteria: ACMG Guidelines, 2015. Collection method: clinical testing. Allele origin: germline.
Comment: The MYO15A c.9602G>A variant is predicted to result in the amino acid substitution p.Arg3201Gln. To our knowledge, this variant has not been reported in the literature. This variant is reported in 0.072% of alleles in individuals of East Asian descent in gnomAD. Although we suspect that this variant may be benign, at this time, the clinical significance of this variant is uncertain due to the absence of conclusive functional and genetic evidence.

Ambry Genetics
Classification: Uncertain significance for Inborn genetic diseases. Last evaluated: 2025-07-15. Review status: criteria provided, single submitter. Criteria: Ambry Variant Classification Scheme 2023. Collection method: clinical testing. Allele origin: germline.

Blueprint Genetics
Classification: Uncertain significance. Last evaluated: 2024-06-14. Review status: criteria provided, single submitter. Criteria: ACMG Guidelines, 2015. Collection method: clinical testing. Allele origin: germline.

Labcorp Genetics (formerly Invitae), Labcorp
Classification: Likely benign. Last evaluated: 2024-02-24. Review status: criteria provided, single submitter. Criteria: Invitae Variant Classification Sherloc (09022015). Collection method: clinical testing. Allele origin: germline.

GeneDx
Classification: Uncertain significance. Last evaluated: 2023-10-06. Review status: criteria provided, single submitter. Criteria: GeneDx Variant Classification Process June 2021. Collection method: clinical testing. Allele origin: germline. Affected: yes.
Comment: In silico analysis supports that this missense variant does not alter protein structure/function; Has not been previously published as pathogenic or benign to our knowledge

Illumina Laboratory Services, Illumina
Classification: Uncertain significance for Autosomal recessive nonsyndromic hearing loss 3. Last evaluated: 2018-01-13. Review status: criteria provided, single submitter. Criteria: ICSL Variant Classification Criteria 13 December 2019. Collection method: clinical testing. Allele origin: germline.

NM_016239.4(MYO15A):c.9602G>A (p.Arg3201Gln)

Gene: MYO15A (myosin XVA; plus strand). Cytogenetic location: 17p11.2.
Variant type: single nucleotide variant.
Coding change: c.9602G>A on transcript NM_016239.4 (MANE Select); coding-DNA position 9602, G replaced by A.
Protein change: p.Arg3201Gln; replaces arginine 3201 with glutamine.
Molecular consequence: missense variant.
Genome position (GRCh38, 1-based): chr17:18,162,669, G>A. VCF-style: chr17-18162669-G-A. GRCh37 (hg19) VCF-style: chr17-18065983-G-A.
Other names: short protein forms R3201Q.
Identifiers: ClinVar variation 322177 (VCV000322177.14), dbSNP rs757095519, ClinGen allele CA8425606.